The following is an entry in ClinVar:

NM_000535.7(PMS2):c.706-1G>A

Gene: PMS2 (PMS1 homolog 2, mismatch repair system component; minus strand). Cytogenetic location: 7p22.1.
Variant type: single nucleotide variant.
Coding change: c.706-1G>A on transcript NM_000535.7 (MANE Select); the canonical splice acceptor site of the intron before coding-DNA position 706, G replaced by A.
Molecular consequence: splice acceptor variant. On other transcripts: intron variant (3).
Genome position (GRCh38, 1-based): chr7:5,997,424, C>T on the plus strand (G>A on the coding strand, the complement: PMS2 is on the minus strand). VCF-style: chr7-5997424-C-T. GRCh37 (hg19) VCF-style: chr7-6037055-C-T.
Other names: c.388-1G>A (NM_001322008.2, NM_001406902.1, NM_001406883.1 and 4 more transcripts); c.397-1G>A (NM_001406881.1, NM_001406879.1, NM_001322015.2 and 6 more transcripts); c.301-1G>A (NM_001406895.1, NM_001322010.2, NM_001322004.2 and 19 more transcripts); c.132+5029G>A (NM_001406911.1); c.193-1G>A (NM_001406904.1, NM_001406905.1); c.133-1G>A (NM_001322013.2, NM_001406909.1); c.-228-1G>A (NM_001322012.2, NM_001322011.2); c.370-1G>A (NM_001406885.1); and 7 more.
Identifiers: ClinVar variation 1067665 (VCV001067665.11), dbSNP rs1202370194, ClinGen allele CA366743801.
Genomic context (GRCh38, chr7:5,997,424, plus strand): 5'-GTACTCTTCACACACGGAGTCACTAGGGGGCAGCTGAACAAAAGGAATGAGGCTTTGCAA[C>T]TGAAAAAAAAAAAAAAAAATTCACAGTTACTTCCTAATAAAGACAGAGTGGACTTAATCT-3'

ClinVar aggregate classification (germline): Likely pathogenic. Review status: criteria provided, multiple submitters, no conflicts (2 of 4 stars). 3 submissions from 3 submitters: Likely pathogenic (3). Last evaluated 2025-06-27.

Conditions:
Hereditary cancer-predisposing syndrome. Also called: Hereditary neoplastic syndrome; Tumor predisposition; Hereditary Cancer Syndrome; Neoplastic Syndromes, Hereditary. Identifiers: Orphanet 140162, MedGen C0027672, MeSH D009386, MONDO:0015356.
Hereditary nonpolyposis colorectal neoplasms. Identifiers: MedGen C0009405, MeSH D003123.
Lynch syndrome 4 (LYNCH4). Also called: Colorectal cancer, hereditary nonpolyposis, type 4; Hereditary non-polyposis colorectal cancer, type 4. Identifiers: Orphanet 144, MedGen C1838333, MONDO:0013699, OMIM 614337. Disease mechanism: loss of function.

Allele frequency attached by ClinVar (database versions not stated): gnomAD exomes below 0.00001.
gnomAD v4.1: 1 of 1,421,150 alleles (0.00007%); highest among the groups gnomAD compares: African/African-American, 0.0017%; no homozygotes.

Submissions (3):

Myriad Genetics, Inc.
Classification: Likely pathogenic for Lynch syndrome 4. Last evaluated: 2025-06-27. Review status: criteria provided, single submitter. Criteria: Myriad Autosomal Dominant, Autosomal Recessive and X-Linked Classification Criteria (2023). Collection method: clinical testing. Allele origin: unknown.
Comment: This variant is considered likely pathogenic. This variant occurs within a consensus splice junction and is predicted to result in abnormal mRNA splicing of either an out-of-frame exon or an in-frame exon necessary for protein stability and/or normal function.

Ambry Genetics
Classification: Likely pathogenic for Hereditary cancer-predisposing syndrome. Last evaluated: 2025-01-09. Review status: criteria provided, single submitter. Criteria: Ambry Variant Classification Scheme 2023. Collection method: clinical testing. Allele origin: germline.
Comment: The c.706-1G>A intronic variant results from a G to A substitution one nucleotide upstream from coding exon 7 of the PMS2 gene. Based on internal structural assessment, this alteration disrupts the structure of the ATPase domain (Ambry internal data). This nucleotide position is highly conserved in available vertebrate species. In silico splice site analysis predicts that this alteration will weaken the native splice acceptor site and may result in the creation or strengthening of a novel splice acceptor site. Alterations that disrupt the canonical splice site are expected to cause aberrant splicing, resulting in an abnormal protein or a transcript that is subject to nonsense-mediated mRNA decay. As such, this alteration is classified as likely pathogenic.

Labcorp Genetics (formerly Invitae), Labcorp
Classification: Likely pathogenic for Hereditary nonpolyposis colorectal neoplasms. Last evaluated: 2023-12-16. Review status: criteria provided, single submitter. Criteria: Invitae Variant Classification Sherloc (09022015). Collection method: clinical testing. Allele origin: germline.
Comment: This sequence change affects an acceptor splice site in intron 6 of the PMS2 gene. It is expected to disrupt RNA splicing. Variants that disrupt the donor or acceptor splice site typically lead to a loss of protein function (PMID: 16199547), and loss-of-function variants in PMS2 are known to be pathogenic (PMID: 21376568, 24362816). The frequency data for this variant in the population databases is considered unreliable, as metrics indicate poor data quality at this position in the gnomAD database. This variant has not been reported in the literature in individuals affected with PMS2-related conditions. ClinVar contains an entry for this variant (Variation ID: 1067665). Algorithms developed to predict the effect of sequence changes on RNA splicing suggest that this variant may disrupt the consensus splice site. In summary, the currently available evidence indicates that the variant is pathogenic, but additional data are needed to prove that conclusively. Therefore, this variant has been classified as Likely Pathogenic.

Literature cited by the submitters: PubMed 16199547 (cited by Labcorp Genetics (formerly Invitae), Labcorp); PubMed 21376568 (cited by Labcorp Genetics (formerly Invitae), Labcorp); PubMed 24362816 (cited by Labcorp Genetics (formerly Invitae), Labcorp).